The following is an entry in ClinVar:

NM_003289.4(TPM2):c.356C>T (p.Ala119Val)

Gene: TPM2 (tropomyosin 2; minus strand). Cytogenetic location: 9p13.3.
Variant type: single nucleotide variant.
Coding change: c.356C>T on transcript NM_003289.4 (MANE Select); coding-DNA position 356, C replaced by T.
Protein change: p.Ala119Val; replaces alanine 119 with valine.
Molecular consequence: missense variant.
Genome position (GRCh38, 1-based): chr9:35,685,665, G>A on the plus strand (C>T on the coding strand, the complement: TPM2 is on the minus strand). VCF-style: chr9-35685665-G-A. GRCh37 (hg19) VCF-style: chr9-35685662-G-A.
Other names: c.356C>T, p.Ala119Val (NM_001301226.2, NM_001301227.2, NM_213674.1); short protein forms A119V.
Identifiers: ClinVar variation 2418800 (VCV002418800.6), dbSNP rs757873408, ClinGen allele CA5047394.

ClinVar aggregate classification (germline): Uncertain significance (1 of 4 stars; one submission).

Conditions:
Arthrogryposis, distal, type 1A. Also called: ARTHROGRYPOSIS MULTIPLEX CONGENITA, DISTAL, TYPE I. Identifiers: Orphanet 1146, MedGen C6022280, MONDO:0007157, OMIM 108120.

Allele frequency attached by ClinVar (database versions not stated): TOPMed below 0.00001; gnomAD exomes 0.00001; ExAC 0.00002.
gnomAD v4.1: 10 of 1,614,090 alleles (0.00062%); highest among the groups gnomAD compares: Admixed American, 0.0017%; no homozygotes.

Submission:

Labcorp Genetics (formerly Invitae), Labcorp
Classification: Uncertain significance for Arthrogryposis, distal, type 1A. Last evaluated: 2026-01-06. Review status: criteria provided, single submitter. Criteria: Invitae Variant Classification Sherloc (09022015). Collection method: clinical testing. Allele origin: germline.
Comment: This sequence change replaces alanine, which is neutral and non-polar, with valine, which is neutral and non-polar, at codon 119 of the TPM2 protein (p.Ala119Val). This variant is present in population databases (rs757873408, gnomAD 0.003%). This variant has not been reported in the literature in individuals affected with TPM2-related conditions. ClinVar contains an entry for this variant (Variation ID: 2418800). Invitae Evidence Modeling of protein sequence and biophysical properties (such as structural, functional, and spatial information, amino acid conservation, physicochemical variation, residue mobility, and thermodynamic stability) indicates that this missense variant is not expected to disrupt TPM2 protein function with a negative predictive value of 80%. Algorithms developed to predict the effect of sequence changes on RNA splicing suggest that this variant may disrupt the consensus splice site. In summary, the available evidence is currently insufficient to determine the role of this variant in disease. Therefore, it has been classified as a Variant of Uncertain Significance.